The following is an entry in ClinVar:

NM_015466.4(PTPN23):c.2741C>T (p.Pro914Leu)

Gene: PTPN23 (protein tyrosine phosphatase non-receptor type 23; plus strand). Cytogenetic location: 3p21.31.
Variant type: single nucleotide variant.
Coding change: c.2741C>T on transcript NM_015466.4 (MANE Select); coding-DNA position 2741, C replaced by T.
Protein change: p.Pro914Leu; replaces proline 914 with leucine.
Molecular consequence: missense variant.
Genome position (GRCh38, 1-based): chr3:47,410,539, C>T. VCF-style: chr3-47410539-C-T. GRCh37 (hg19) VCF-style: chr3-47452029-C-T.
Other names: c.2363C>T, p.Pro788Leu (NM_001304482.2); short protein forms P788L, P914L.
Identifiers: ClinVar variation 2163344 (VCV002163344.1), dbSNP rs1414681161, ClinGen allele CA352559783.

ClinVar aggregate classification (germline): Uncertain significance (1 of 4 stars; one submission).

Allele frequency attached by ClinVar (database versions not stated): gnomAD 0.00002.
gnomAD v4.1: 19 of 1,611,458 alleles (0.0012%); highest among the groups gnomAD compares: Admixed American, 0.0033%; no homozygotes.

Submission:

Labcorp Genetics (formerly Invitae), Labcorp
Classification: Uncertain significance. Last evaluated: 2022-06-13. Review status: criteria provided, single submitter. Criteria: Invitae Variant Classification Sherloc (09022015). Collection method: clinical testing. Allele origin: germline.
Comment: This sequence change replaces proline, which is neutral and non-polar, with leucine, which is neutral and non-polar, at codon 914 of the PTPN23 protein (p.Pro914Leu). This variant is present in population databases (no rsID available, gnomAD 0.006%). This variant has not been reported in the literature in individuals affected with PTPN23-related conditions. Algorithms developed to predict the effect of missense changes on protein structure and function are either unavailable or do not agree on the potential impact of this missense change (SIFT: "Tolerated"; PolyPhen-2: "Not Available"; Align-GVGD: "Class C0"). In summary, the available evidence is currently insufficient to determine the role of this variant in disease. Therefore, it has been classified as a Variant of Uncertain Significance.